The following is an entry in ClinVar:

NM_145038.5(DRC1):c.1957C>T (p.Arg653Cys)

Gene: DRC1 (dynein regulatory complex subunit 1; plus strand). Cytogenetic location: 2p23.3.
Variant type: single nucleotide variant.
Coding change: c.1957C>T on transcript NM_145038.5 (MANE Select); coding-DNA position 1957, C replaced by T.
Protein change: p.Arg653Cys; replaces arginine 653 with cysteine.
Molecular consequence: missense variant.
Genome position (GRCh38, 1-based): chr2:26,454,684, C>T. VCF-style: chr2-26454684-C-T. GRCh37 (hg19) VCF-style: chr2-26677552-C-T.
Other names: c.1957C>T (NM_145038.2, NM_145038.4); short protein forms R653C.
Identifiers: ClinVar variation 700243 (VCV000700243.14), dbSNP rs139106371, ClinGen allele CA1562461.

ClinVar aggregate classification (germline): Conflicting classifications of pathogenicity. Review status: criteria provided, conflicting classifications (1 of 4 stars). 5 submissions from 5 submitters: Uncertain significance (2); Likely benign (3). Last evaluated 2025-11-25.

Conditions:
Inborn genetic diseases. Identifiers: MedGen C0950123, MeSH D030342.
Primary ciliary dyskinesia. Also called: Ciliary dyskinesia. Identifiers: Orphanet 244, MedGen C0008780, MONDO:0016575, HP:0012265.
DRC1-related disorder. Also called: DRC1-related condition.

Allele frequency attached by ClinVar (database versions not stated): TOPMed 0.00007.
gnomAD v4.1: 348 of 1,614,074 alleles (0.022%); highest among the groups gnomAD compares: South Asian, 0.27%; 4 homozygotes.

Submissions (5):

Labcorp Genetics (formerly Invitae), Labcorp
Classification: Likely benign for Primary ciliary dyskinesia. Last evaluated: 2025-11-25. Review status: criteria provided, single submitter. Criteria: Invitae Variant Classification Sherloc (09022015). Collection method: clinical testing. Allele origin: germline.

PreventionGenetics, part of Exact Sciences
Classification: Likely benign for DRC1-related condition. Last evaluated: 2025-03-10. Review status: criteria provided, single submitter. Criteria: ACMG Guidelines, 2015. Collection method: clinical testing. Allele origin: germline.
Comment: This variant is classified as likely benign based on ACMG/AMP sequence variant interpretation guidelines (Richards et al. 2015 PMID: 25741868, with internal and published modifications).

Ambry Genetics
Classification: Uncertain significance for Inborn genetic diseases. Last evaluated: 2025-01-09. Review status: criteria provided, single submitter. Criteria: Ambry Variant Classification Scheme 2023. Collection method: clinical testing. Allele origin: germline.

Blueprint Genetics
Classification: Uncertain significance. Last evaluated: 2024-11-25. Review status: criteria provided, single submitter. Criteria: ACMG Guidelines, 2015. Collection method: clinical testing. Allele origin: germline.

Breakthrough Genomics
Classification: Likely benign. Review status: criteria provided, single submitter. Criteria: ACMG Guidelines, 2015. Collection method: not provided. Allele origin: germline. Inheritance: Autosomal recessive inheritance. Affected: yes.